The following is an entry in ClinVar:

NM_001429.4(EP300):c.6148G>C (p.Ala2050Pro)

Gene: EP300 (EP300 lysine acetyltransferase; plus strand). Cytogenetic location: 22q13.2.
Variant type: single nucleotide variant.
Coding change: c.6148G>C on transcript NM_001429.4 (MANE Select); coding-DNA position 6148, G replaced by C.
Protein change: p.Ala2050Pro; replaces alanine 2050 with proline.
Molecular consequence: missense variant.
Genome position (GRCh38, 1-based): chr22:41,177,859, G>C. VCF-style: chr22-41177859-G-C. GRCh37 (hg19) VCF-style: chr22-41573863-G-C.
Other names: c.6070G>C, p.Ala2024Pro (NM_001362843.2); short protein forms A2024P, A2050P.
Identifiers: ClinVar variation 2787927 (VCV002787927.3), dbSNP rs2145519545, ClinGen allele CA411680753.
Genomic context (GRCh38, chr22:41,177,859, plus strand): 5'-CAACCAGGATTGGGCCAGGTAGGTATCAGCCCACTCAAACCAGGCACTGTGTCTCAACAA[G>C]CCTTACAAAACCTTTTGCGGACTCTCAGGTCTCCCAGCTCTCCCCTGCAGCAGCAACAGG-3'
Protein context (NP_001420.2, residues 2040-2060): PLKPGTVSQQ[Ala2050Pro]LQNLLRTLRS

ClinVar aggregate classification (germline): Uncertain significance (1 of 4 stars; one submission).

Conditions:
Rubinstein-Taybi syndrome due to EP300 haploinsufficiency. Also called: EP300-Related Rubinstein-Taybi Syndrome; RUBINSTEIN-TAYBI SYNDROME 2. Identifiers: Orphanet 353284, Orphanet 783, MedGen C3150941, MONDO:0013364, OMIM 613684.

Submission:

Labcorp Genetics (formerly Invitae), Labcorp
Classification: Uncertain significance for Rubinstein-Taybi syndrome due to EP300 haploinsufficiency. Last evaluated: 2023-02-14. Review status: criteria provided, single submitter. Criteria: Invitae Variant Classification Sherloc (09022015). Collection method: clinical testing. Allele origin: germline.
Comment: This sequence change replaces alanine, which is neutral and non-polar, with proline, which is neutral and non-polar, at codon 2050 of the EP300 protein (p.Ala2050Pro). This variant is not present in population databases (gnomAD no frequency). This variant has not been reported in the literature in individuals affected with EP300-related conditions. Advanced modeling of protein sequence and biophysical properties (such as structural, functional, and spatial information, amino acid conservation, physicochemical variation, residue mobility, and thermodynamic stability) performed at Invitae indicates that this missense variant is not expected to disrupt EP300 protein function. In summary, the available evidence is currently insufficient to determine the role of this variant in disease. Therefore, it has been classified as a Variant of Uncertain Significance.